The following is an entry in ClinVar:

ClinVar aggregate classification (germline): Uncertain significance (1 of 4 stars; one submission).

Conditions:
Mevalonic aciduria (MEVA). Identifiers: Orphanet 29, MedGen C1959626, MONDO:0012481, OMIM 610377.
Hyperimmunoglobulin D with periodic fever (HIDS). Also called: Hyperimmunoglobulinemia D with periodic fever; HYPERIMMUNOGLOBULINEMIA D AND PERIODIC FEVER SYNDROME; Hyperimmunoglobulinemia D. Identifiers: Orphanet 343, MedGen C0398691, MONDO:0009849, OMIM 260920.
Porokeratosis 3, disseminated superficial actinic type (POROK3). Also called: POROKERATOSIS, DISSEMINATED SUPERFICIAL ACTINIC, 1; POROKERATOSIS 3, MULTIPLE TYPES; POROKERATOSIS 3, MIBELLI TYPE. Identifiers: MedGen C1867981, MONDO:0008293, OMIM 175900.

gnomAD v4.1: 1 of 1,614,142 alleles (0.000062%); no homozygotes.

Submission:

Labcorp Genetics (formerly Invitae), Labcorp
Classification: Uncertain significance for Mevalonic aciduria; Hyperimmunoglobulin D with periodic fever; Porokeratosis 3, disseminated superficial actinic type. Last evaluated: 2024-11-01. Review status: criteria provided, single submitter. Criteria: Invitae Variant Classification Sherloc (09022015). Collection method: clinical testing. Allele origin: germline.
Comment: This sequence change replaces tryptophan, which is neutral and slightly polar, with glycine, which is neutral and non-polar, at codon 188 of the MVK protein (p.Trp188Gly). This variant is not present in population databases (gnomAD no frequency). This variant has not been reported in the literature in individuals affected with MVK-related conditions. Invitae Evidence Modeling of protein sequence and biophysical properties (such as structural, functional, and spatial information, amino acid conservation, physicochemical variation, residue mobility, and thermodynamic stability) indicates that this missense variant is expected to disrupt MVK protein function with a positive predictive value of 95%. In summary, the available evidence is currently insufficient to determine the role of this variant in disease. Therefore, it has been classified as a Variant of Uncertain Significance.

NM_000431.4(MVK):c.562T>G (p.Trp188Gly)

Gene: MVK (mevalonate kinase; plus strand). Cytogenetic location: 12q24.11.
Variant type: single nucleotide variant.
Coding change: c.562T>G on transcript NM_000431.4 (MANE Select); coding-DNA position 562, T replaced by G.
Protein change: p.Trp188Gly; replaces tryptophan 188 with glycine.
Molecular consequence: missense variant. On other transcripts: 5 prime UTR variant (1), non-coding transcript variant (4).
Genome position (GRCh38, 1-based): chr12:109,586,056, T>G. VCF-style: chr12-109586056-T-G. GRCh37 (hg19) VCF-style: chr12-110023861-T-G.
Other names: c.562T>G, p.Trp188Gly (NM_001114185.3, NM_001414511.1, NM_001414512.1 and 1 more transcripts); c.406T>G, p.Trp136Gly (NM_001301182.2, NM_001414514.1); c.-21T>G (NM_001414515.1); short protein forms W136G, W188G.
Identifiers: ClinVar variation 3750296 (VCV003750296.2).